The following is an entry in ClinVar:

NM_004397.6(DDX6):c.1201C>G (p.Gln401Glu)

Gene: DDX6 (DEAD-box helicase 6; minus strand). Cytogenetic location: 11q23.3.
Variant type: single nucleotide variant.
Coding change: c.1201C>G on transcript NM_004397.6 (MANE Select); coding-DNA position 1201, C replaced by G.
Protein change: p.Gln401Glu; replaces glutamine 401 with glutamic acid.
Molecular consequence: missense variant.
Genome position (GRCh38, 1-based): chr11:118,755,477, G>C on the plus strand (C>G on the coding strand, the complement: DDX6 is on the minus strand). VCF-style: chr11-118755477-G-C. GRCh37 (hg19) VCF-style: chr11-118626186-G-C.
Other names: c.1201C>G, p.Gln401Glu (NM_001257191.3); short protein forms Q401E.
Identifiers: ClinVar variation 1809848 (VCV001809848.1), dbSNP rs2501264063, ClinGen allele CA382887376.

ClinVar aggregate classification (germline): Uncertain significance (1 of 4 stars; one submission).

Submission:

GeneDx
Classification: Uncertain significance. Last evaluated: 2022-06-30. Review status: criteria provided, single submitter. Criteria: GeneDx Variant Classification Process June 2021. Collection method: clinical testing. Allele origin: germline. Affected: yes.
Comment: Not observed at significant frequency in large population cohorts (gnomAD); In silico analysis supports that this missense variant has a deleterious effect on protein structure/function; Has not been previously published as pathogenic or benign to our knowledge